The following is an entry in ClinVar:

ClinVar aggregate classification (germline): Likely pathogenic (1 of 4 stars; one submission).

Conditions:
Cardiovascular phenotype. Identifiers: MedGen CN230736.

Submission:

Ambry Genetics
Classification: Likely pathogenic for Cardiovascular phenotype. Last evaluated: 2025-10-01. Review status: criteria provided, single submitter. Criteria: Ambry Variant Classification Scheme 2023. Collection method: clinical testing. Allele origin: germline.
Comment: The c.367A>C (p.T123P) alteration is located in exon 2 (coding exon 2) of the TBX20 gene. This alteration results from a A to C substitution at nucleotide position 367, causing the threonine (T) at amino acid position 123 to be replaced by a proline (P). This variant was not reported in population-based cohorts in the Genome Aggregation Database (gnomAD). This amino acid position is highly conserved in available vertebrate species. This alteration is predicted to be deleterious by in silico analysis. Based on the available evidence, this alteration is classified as likely pathogenic.

NM_001077653.2(TBX20):c.367A>C (p.Thr123Pro)

Gene: TBX20 (T-box transcription factor 20; minus strand). Cytogenetic location: 7p14.2.
Variant type: single nucleotide variant.
Coding change: c.367A>C on transcript NM_001077653.2 (MANE Select); coding-DNA position 367, A replaced by C.
Protein change: p.Thr123Pro; replaces threonine 123 with proline.
Molecular consequence: missense variant.
Genome position (GRCh38, 1-based): chr7:35,249,964, T>G on the plus strand (A>C on the coding strand, the complement: TBX20 is on the minus strand). VCF-style: chr7-35249964-T-G. GRCh37 (hg19) VCF-style: chr7-35289576-T-G.
Other names: c.367A>C, p.Thr123Pro (NM_001166220.1); short protein forms T123P.
Identifiers: ClinVar variation 4181268 (VCV004181268.2).